The following is an entry in ClinVar:

ClinVar aggregate classification (germline): Uncertain significance (1 of 4 stars; one submission).

Conditions:
Hereditary spastic paraplegia 30. Identifiers: Orphanet 101010, MedGen C5235139, MONDO:0012476.
Neuropathy, hereditary sensory, type 2C. Also called: KIF1A-Related HSAN2 (HSAN2C); Hereditary sensory and autonomic neuropathy type IIC. Identifiers: Orphanet 970, MedGen C3280168, MONDO:0013634, OMIM 614213.
Intellectual disability, autosomal dominant 9 (NESCAVS). Also called: KIF1A-Related Neurodevelopmental Disorder; NESCAV SYNDROME. Identifiers: Orphanet 662367, MedGen C5393830, MONDO:0013656, OMIM 614255.

Allele frequency attached by ClinVar (database versions not stated): gnomAD exomes below 0.00001; TOPMed below 0.00001; ExAC 0.00001.
gnomAD v4.1: 4 of 1,611,484 alleles (0.00025%); highest among the groups gnomAD compares: Non-Finnish European, 0.00017%; no homozygotes.

Submission:

Labcorp Genetics (formerly Invitae), Labcorp
Classification: Uncertain significance for Hereditary spastic paraplegia 30; Neuropathy, hereditary sensory, type 2C; Intellectual disability, autosomal dominant 9. Last evaluated: 2024-08-22. Review status: criteria provided, single submitter. Criteria: Invitae Variant Classification Sherloc (09022015). Collection method: clinical testing. Allele origin: germline.
Comment: This sequence change replaces arginine, which is basic and polar, with tryptophan, which is neutral and slightly polar, at codon 526 of the KIF1A protein (p.Arg526Trp). This variant is present in population databases (rs752692031, gnomAD 0.0009%). This variant has not been reported in the literature in individuals affected with KIF1A-related conditions. ClinVar contains an entry for this variant (Variation ID: 1439003). Invitae Evidence Modeling of protein sequence and biophysical properties (such as structural, functional, and spatial information, amino acid conservation, physicochemical variation, residue mobility, and thermodynamic stability) indicates that this missense variant is expected to disrupt KIF1A protein function with a positive predictive value of 95%. In summary, the available evidence is currently insufficient to determine the role of this variant in disease. Therefore, it has been classified as a Variant of Uncertain Significance.

NM_001244008.2(KIF1A):c.1603C>T (p.Arg535Trp)

Gene: KIF1A (kinesin family member 1A; minus strand). Cytogenetic location: 2q37.3.
Variant type: single nucleotide variant.
Coding change: c.1603C>T on transcript NM_001244008.2 (MANE Select); coding-DNA position 1603, C replaced by T.
Protein change: p.Arg535Trp; replaces arginine 535 with tryptophan.
Molecular consequence: missense variant.
Genome position (GRCh38, 1-based): chr2:240,766,996, G>A on the plus strand (C>T on the coding strand, the complement: KIF1A is on the minus strand). VCF-style: chr2-240766996-G-A. GRCh37 (hg19) VCF-style: chr2-241706413-G-A.
Other names: c.1603C>T, p.Arg535Trp (NM_001320705.2, NM_001330289.2, NM_001379638.1); c.1678C>T, p.Arg560Trp (NM_001330290.2, NM_001379631.1, NM_001379634.1 and 2 more transcripts); c.1576C>T, p.Arg526Trp (NM_001379632.1, NM_001379633.1, NM_001379636.1 and 10 more transcripts); c.1651C>T, p.Arg551Trp (NM_001379637.1, NM_001379648.1); short protein forms R551W, R535W, R560W, R526W.
Identifiers: ClinVar variation 1439003 (VCV001439003.6), dbSNP rs752692031, ClinGen allele CA2208327.